The following is an entry in ClinVar:

NM_001370466.1(NOD2):c.375G>T (p.Met125Ile)

Gene: NOD2 (nucleotide binding oligomerization domain containing 2; plus strand). Cytogenetic location: 16q12.1.
Variant type: single nucleotide variant.
Coding change: c.375G>T on transcript NM_001370466.1 (MANE Select); coding-DNA position 375, G replaced by T.
Protein change: p.Met125Ile; replaces methionine 125 with isoleucine.
Molecular consequence: missense variant. On other transcripts: non-coding transcript variant (1).
Genome position (GRCh38, 1-based): chr16:50,699,870, G>T. VCF-style: chr16-50699870-G-T. GRCh37 (hg19) VCF-style: chr16-50733781-G-T.
Other names: c.375G>T, p.Met125Ile (NM_001293557.2); c.456G>T, p.Met152Ile (NM_022162.3); short protein forms M125I, M152I.
Identifiers: ClinVar variation 2937622 (VCV002937622.3), dbSNP rs2509134390, ClinGen allele CA395866756.

ClinVar aggregate classification (germline): Uncertain significance (1 of 4 stars; one submission).

Conditions:
Blau syndrome (BLAUS). Also called: ARTHROCUTANEOUVEAL GRANULOMATOSIS; GRANULOMATOSIS, FAMILIAL JUVENILE SYSTEMIC; GRANULOMATOSIS, FAMILIAL, BLAU TYPE; GRANULOMATOUS INFLAMMATORY ARTHRITIS, DERMATITIS, AND UVEITIS, FAMILIAL; JABS SYNDROME. Identifiers: Orphanet 90340, MedGen C5201146, MONDO:0008523, OMIM 186580.
Regional enteritis. Also called: Enteritis, Granulomatous. Identifiers: MedGen C0678202, MeSH D003424.

Submission:

Labcorp Genetics (formerly Invitae), Labcorp
Classification: Uncertain significance for Regional enteritis; Blau syndrome. Last evaluated: 2023-12-07. Review status: criteria provided, single submitter. Criteria: Invitae Variant Classification Sherloc (09022015). Collection method: clinical testing. Allele origin: germline.
Comment: This sequence change replaces methionine, which is neutral and non-polar, with isoleucine, which is neutral and non-polar, at codon 152 of the NOD2 protein (p.Met152Ile). This variant is not present in population databases (gnomAD no frequency). This variant has not been reported in the literature in individuals affected with NOD2-related conditions. Advanced modeling of protein sequence and biophysical properties (such as structural, functional, and spatial information, amino acid conservation, physicochemical variation, residue mobility, and thermodynamic stability) performed at Invitae indicates that this missense variant is not expected to disrupt NOD2 protein function with a negative predictive value of 95%. In summary, the available evidence is currently insufficient to determine the role of this variant in disease. Therefore, it has been classified as a Variant of Uncertain Significance.